The following is an entry in ClinVar:

ClinVar aggregate classification (germline): Uncertain significance (1 of 4 stars; one submission).

Allele frequency attached by ClinVar (database versions not stated): gnomAD exomes below 0.00001; TOPMed below 0.00001.
gnomAD v4.1: 2 of 1,613,936 alleles (0.00012%); highest among the groups gnomAD compares: Non-Finnish European, 0.000085%; no homozygotes.

Submission:

Labcorp Genetics (formerly Invitae), Labcorp
Classification: Uncertain significance. Last evaluated: 2022-08-27. Review status: criteria provided, single submitter. Criteria: Invitae Variant Classification Sherloc (09022015). Collection method: clinical testing. Allele origin: germline.
Comment: This variant is present in population databases (no rsID available, gnomAD 0.0009%). This variant has not been reported in the literature in individuals affected with MMP14-related conditions. Algorithms developed to predict the effect of missense changes on protein structure and function are either unavailable or do not agree on the potential impact of this missense change (SIFT: "Deleterious"; PolyPhen-2: "Probably Damaging"; Align-GVGD: "Class C0"). In summary, the available evidence is currently insufficient to determine the role of this variant in disease. Therefore, it has been classified as a Variant of Uncertain Significance. This sequence change replaces glutamine, which is neutral and polar, with arginine, which is basic and polar, at codon 262 of the MMP14 protein (p.Gln262Arg).

NM_004995.4(MMP14):c.785A>G (p.Gln262Arg)

Gene: MMP14 (matrix metallopeptidase 14; plus strand). Cytogenetic location: 14q11.2.
Variant type: single nucleotide variant.
Coding change: c.785A>G on transcript NM_004995.4 (MANE Select); coding-DNA position 785, A replaced by G.
Protein change: p.Gln262Arg; replaces glutamine 262 with arginine.
Molecular consequence: missense variant.
Genome position (GRCh38, 1-based): chr14:22,843,353, A>G. VCF-style: chr14-22843353-A-G. GRCh37 (hg19) VCF-style: chr14-23312562-A-G.
Other names: short protein forms Q262R.
Identifiers: ClinVar variation 2032916 (VCV002032916.4), dbSNP rs1388240533, ClinGen allele CA388931036.